The following is an entry in ClinVar:

NM_001005242.3(PKP2):c.368G>A (p.Trp123Ter)

Gene: PKP2 (plakophilin 2; minus strand). Cytogenetic location: 12p11.21.
Variant type: single nucleotide variant.
Coding change: c.368G>A on transcript NM_001005242.3 (MANE Select); coding-DNA position 368, G replaced by A.
Protein change: p.Trp123Ter; replaces tryptophan 123 with a stop codon.
Molecular consequence: nonsense.
Genome position (GRCh38, 1-based): chr12:32,878,512, C>T on the plus strand (G>A on the coding strand, the complement: PKP2 is on the minus strand). VCF-style: chr12-32878512-C-T. GRCh37 (hg19) VCF-style: chr12-33031446-C-T.
Other names: p.W123*:TGG>TAG; c.368G>A, p.Trp123Ter (NM_004572.4); short protein forms W123*.
Identifiers: ClinVar variation 196395 (VCV000196395.32), dbSNP rs760576804, ClinGen allele CA012280.
Genomic context (GRCh38, chr12:32,878,512, plus strand): 5'-TGCCTCAAGGACCTTTCTTCCACGGACTTCTGGGAGCTGTACTGTGCTGTTCCTCTTCCC[C>T]AGCGACCTTCATAAGTGGCAGTTGTGCCAGCCTGCACATGAGAGAAATAAAGTTTAAAGG-3'

ClinVar aggregate classification (germline): Pathogenic. Review status: criteria provided, multiple submitters, no conflicts (2 of 4 stars). 12 submissions from 12 submitters: Pathogenic (12). Last evaluated 2026-06-12.

Conditions:
PKP2-related disorder. Also called: PKP2-related condition.
Cardiovascular phenotype. Identifiers: MedGen CN230736.
Arrhythmogenic right ventricular cardiomyopathy (ARVD). Also called: Arrhythmogenic right ventricular dysplasia; Cardiomyopathy, ARVC; Arrhythmogenic cardiomyopathy; Arrhythmogenic Right Ventricular Cardiomyopathy (ARVC). Identifiers: Orphanet 247, MedGen C0349788, MeSH D019571, MONDO:0016587. Disease mechanism: loss of function. Inheritance: Various modes of inheritance.
Cardiomyopathy (CMYO). Also called: Cardiomyopathies. Identifiers: Orphanet 167848, MedGen C0878544, MONDO:0004994, HP:0001638. Inheritance: Various modes of inheritance.
Arrhythmogenic right ventricular dysplasia 9 (ARVD9). Also called: Arrhythmogenic Right Ventricular Dysplasia/Cardiomyopathy 9; ARRHYTHMOGENIC RIGHT VENTRICULAR DYSPLASIA, FAMILIAL, 9. Identifiers: MedGen C1836906, MONDO:0012180, OMIM 609040.

Allele frequency attached by ClinVar (database versions not stated): gnomAD exomes below 0.00001.
gnomAD v4.1: 4 of 1,612,322 alleles (0.00025%); highest among the groups gnomAD compares: Non-Finnish European, 0.00034%; no homozygotes.

Submissions (12):

Clinical Genetics Laboratory, Skane University Hospital Lund
Classification: Pathogenic for Arrhythmogenic right ventricular cardiomyopathy. Last evaluated: 2026-06-12. Review status: criteria provided, single submitter. Criteria: ACMG Guidelines, 2015. Collection method: clinical testing. Allele origin: germline. Affected: yes.
Comment: ACMG criterias used: PVS1, PS4, PM2, PP1_Moderate and PP4.

CeGaT Center for Human Genetics Tuebingen
Classification: Pathogenic. Last evaluated: 2026-04-01. Review status: criteria provided, single submitter. Criteria: CeGaT Center For Human Genetics Tuebingen Variant Classification Criteria Version 2. Collection method: clinical testing. Allele origin: germline. Affected: yes. Observed: 1 variant allele.
Comment: PKP2: PVS1, PS4, PM2, PP1

Victorian Clinical Genetics Services, Murdoch Childrens Research Institute
Classification: Pathogenic for Arrhythmogenic right ventricular dysplasia 9. Last evaluated: 2026-02-10. Review status: criteria provided, single submitter. Criteria: ACMG Guidelines, 2015. Collection method: clinical testing. Allele origin: germline.
Comment: This variant is classified as Pathogenic. Evidence in support of pathogenic classification: Variant is predicted to cause nonsense-mediated decay (NMD) and loss of protein (premature termination codon is located at least 54 nucleotides upstream of the final exon-exon junction); Variant is present in gnomAD <0.01 (v4: 4 heterozygote(s), 0 homozygote(s)). Additionally, an alternative nucleotide change resulting in the same amino acid change is present in gnomAD <0.01 (v2: 1 heterozygote(s), 0 homozygote(s)); This variant has strong previous evidence of pathogenicity in unrelated individuals. This variant, as well as an alternative nucleotide change resulting in the same amino acid change, has been reported as pathogenic by multiple clinical laboratories (ClinVar). In addition, this variant has been reported in multiple individuals with arrhythmogenic right ventricular cardiomyopathy (PMIDs: 22035158, 34816084, 34469894, 36291626); Other NMD-predicted variant(s) comparable to the one identified in this case have very strong previous evidence for pathogenicity (DECIPHER). Additional information: This variant is heterozygous; This gene is associated with both recessive and dominant disease. Arrhythmogenic right ventricular dysplasia 9 (MIM#609040) is inherited in an autosomal dominant manner while biallelic loss of function variants are associated with severe perinatal and neonatal onset dilated cardiomyopathy (PMIDs: 30562116, 35059364, 38050058); Loss of function is a known mechanism of disease in this gene and is associated with arrhythmogenic right ventricular dysplasia 9 (MIM#609040) and dilated cardiomyopathy (MONDO:0005021), PKP2-related (PanelApp Australia); The autosomal dominant condition associated with this gene has incomplete penetrance (PMIDs: 17010805, 23183494); Variants in this gene that are associated with autosomal dominant arrhythmogenic right ventricular dysplasia 9 (MIM#609040) are known to have variable expressivity (PMIDs: 17010805, 23183494); Inheritance information for this variant is not currently available in this individual.

PreventionGenetics, part of Exact Sciences
Classification: Pathogenic for PKP2-related condition. Last evaluated: 2025-11-10. Review status: criteria provided, single submitter. Criteria: ACMG Guidelines, 2015. Collection method: clinical testing. Allele origin: germline.
Comment: The PKP2 c.368G>A variant is predicted to result in premature protein termination (p.Trp123*). This variant has been reported in individuals with arrhythmogenic right ventricular cardiomyopathy and segregated with disorder in one family (see for example: Aneq et al. 2012. PubMed ID: 22035158; supplementary file 2, van Lint et al. 2019. PubMed ID: 30847666). This variant has not been reported in a large population database (gnomAD), indicating this variant is rare. Nonsense variants in PKP2 are expected to be pathogenic. This variant is interpreted as pathogenic.

GeneDx
Classification: Pathogenic. Last evaluated: 2025-09-19. Review status: criteria provided, single submitter. Criteria: GeneDx Variant Classification Process June 2021. Collection method: clinical testing. Allele origin: germline. Affected: yes.
Comment: Identified in patients with arrhythmogenic cardiomyopathy (ACM) in published literature (PMID: 22035158, 28600387, 36264615, 34400560, 35536239, 36396199, 30847666, 32372669); Nonsense variant predicted to result in protein truncation or nonsense mediated decay in a gene for which loss of function is a known mechanism of disease; Not observed at significant frequency in large population cohorts (gnomAD); This variant is associated with the following publications: (PMID: 22035158, 28600387, 25445213, 23891399, 31447099, 30847666, 32397162, 32372669, 34425588, 36396199, 36264615, 34400560, 35536239, 31402444)

Labcorp Genetics (formerly Invitae), Labcorp
Classification: Pathogenic for Arrhythmogenic right ventricular dysplasia 9. Last evaluated: 2025-07-13. Review status: criteria provided, single submitter. Criteria: Invitae Variant Classification Sherloc (09022015). Collection method: clinical testing. Allele origin: germline.
Comment: This sequence change creates a premature translational stop signal (p.Trp123*) in the PKP2 gene. It is expected to result in an absent or disrupted protein product. Loss-of-function variants in PKP2 are known to be pathogenic (PMID: 15489853, 17041889, 23911551). This variant is not present in population databases (gnomAD no frequency). This premature translational stop signal has been observed in individual(s) with arrhythmias and in an individual with arrhythmogenic right ventricular cardiomyopathy (ARVC) and arrhythmogenic right ventricular cardiomyopathy (ARVC) (PMID: 22035158, 25445213). ClinVar contains an entry for this variant (Variation ID: 196395). For these reasons, this variant has been classified as Pathogenic.

Ambry Genetics
Classification: Pathogenic for Cardiovascular phenotype. Last evaluated: 2022-10-12. Review status: criteria provided, single submitter. Criteria: Ambry Variant Classification Scheme 2023. Collection method: clinical testing. Allele origin: germline.
Comment: The p.W123* pathogenic mutation (also known as c.368G>A), located in coding exon 3 of the PKP2 gene, results from a G to A substitution at nucleotide position 368. This changes the amino acid from a tryptophan to a stop codon within coding exon 3. This variant was detected in a proband with sudden cardiac death and subsequent diagnosis of arrhythmogenic right ventricular cardiomyopathy (ARVC) and segregated with disease features in the family (Aneq M&Aring; et al. Scand Cardiovasc J, 2012 Apr;46:72-5). This variant has also been detected in additional individuals with arrhythmia, cardiac arrest and/or confirmed or suspected ARVC (Mellor G et al. Circ Cardiovasc Genet, 2017 Jun;10; van Lint FHM et al. Neth Heart J, 2019 Jun;27:304-309; Limongelli G et al. Genes (Basel), 2020 05;11; L&uuml;sebrink E et al. Eur Heart J Case Rep, 2021 Nov;5:ytab417). This variant is considered to be rare based on population cohorts in the Genome Aggregation Database (gnomAD). In addition to the clinical data presented in the literature, this alteration is expected to result in loss of function by premature protein truncation or nonsense-mediated mRNA decay. As such, this alteration is interpreted as a disease-causing mutation.

Blueprint Genetics
Classification: Pathogenic for PKP2-related disorders. Last evaluated: 2022-09-28. Review status: criteria provided, single submitter. Criteria: ACMG Guidelines, 2015. Collection method: clinical testing. Allele origin: germline. Affected: yes. Observed: 5 variant alleles.

Centre for Mendelian Genomics, University Medical Centre Ljubljana
Classification: Pathogenic for Arrhythmogenic right ventricular dysplasia 9. Last evaluated: 2019-07-09. Review status: criteria provided, single submitter. Criteria: ACMG Guidelines, 2015. Collection method: clinical testing. Allele origin: unknown. Affected: yes.
Comment: This variant was classified as: Pathogenic. The following ACMG criteria were applied in classifying this variant: PVS1,PS1,PM2.

Color Diagnostics, LLC DBA Color Health
Classification: Pathogenic for Cardiomyopathy. Last evaluated: 2019-05-16. Review status: criteria provided, single submitter. Criteria: ACMG Guidelines, 2015. Collection method: clinical testing. Allele origin: germline.
Comment: This variant changes 1 nucleotide in exon 3 of the PKP2 gene, creating a premature translation stop signal. This variant is expected to result in an absent or non-functional protein product. Computational splicing tools suggest that this variant may not impact RNA splicing. To our knowledge, functional assays have not been performed for this variant. This variant has been reported in three related individuals (PMID: 22035158) and one unrelated individual affected with arrythmogenic right ventricular cardiomyopathy (PMID: 25445213). This variant has not been identified in the general population by the Genome Aggregation Database (gnomAD). Loss of PKP2 function is a known mechanism of disease. Based on available evidence, this variant is classified as Pathogenic.

Human Genome Sequencing Center Clinical Lab, Baylor College of Medicine
Classification: Pathogenic for Arrhythmogenic right ventricular dysplasia 9. Last evaluated: 2017-06-02. Review status: criteria provided, single submitter. Criteria: ACMG Guidelines, 2015. Collection method: clinical testing. Allele origin: germline.
Comment: The c.368G>A (p.Trp123*) variant in the PKP2 gene has been detected in a family with arrhythmogenic right ventricular cardiomyopathy (ARVC) [PMID 22035158]. The variant segregated within the family; only one carrier individual was clinically asymptomatic. This variant creates a premature stop codon at amino acid position 123 of the PKP2 protein. This variant is thus predicted to result in a loss of function of the protein. This variant has not been observed in the ExAC population database. This variant is thus classified as pathogenic.

Eurofins Ntd Llc (ga)
Classification: Pathogenic. Last evaluated: 2014-09-22. Review status: criteria provided, single submitter. Criteria: EGL Classification Definitions 2015. Collection method: clinical testing. Allele origin: germline. Observed: 1 variant allele, 1 heterozygote.

Literature cited by the submitters: PubMed 22035158 (cited by 4 submitters); PubMed 23183494 (cited by Victorian Clinical Genetics Services, Murdoch Childrens Research Institute); PubMed 17010805 (cited by Victorian Clinical Genetics Services, Murdoch Childrens Research Institute); PubMed 35059364 (cited by Victorian Clinical Genetics Services, Murdoch Childrens Research Institute); PubMed 34469894 (cited by Victorian Clinical Genetics Services, Murdoch Childrens Research Institute and Ambry Genetics); PubMed 36291626 (cited by Victorian Clinical Genetics Services, Murdoch Childrens Research Institute); PubMed 34816084 (cited by Victorian Clinical Genetics Services, Murdoch Childrens Research Institute and Ambry Genetics); PubMed 38050058 (cited by Victorian Clinical Genetics Services, Murdoch Childrens Research Institute); PubMed 30562116 (cited by Victorian Clinical Genetics Services, Murdoch Childrens Research Institute); PubMed 15489853 (cited by Labcorp Genetics (formerly Invitae), Labcorp); PubMed 17041889 (cited by Labcorp Genetics (formerly Invitae), Labcorp); PubMed 23911551 (cited by Labcorp Genetics (formerly Invitae), Labcorp); PubMed 25445213 (cited by Labcorp Genetics (formerly Invitae), Labcorp); PubMed 28600387 (cited by Ambry Genetics); PubMed 30847666 (cited by Ambry Genetics); PubMed 31402444 (cited by Ambry Genetics); PubMed 31447099 (cited by Ambry Genetics); PubMed 32372669 (cited by Ambry Genetics); PubMed 32397162 (cited by Ambry Genetics); PubMed 32659924 (cited by Ambry Genetics).